The following is an entry in ClinVar:

NM_001918.5(DBT):c.*6646G>T

Gene: DBT (dihydrolipoamide branched chain transacylase E2; minus strand). Cytogenetic location: 1p21.2.
Variant type: single nucleotide variant.
Coding change: c.*6646G>T on transcript NM_001918.5 (MANE Select); 6646 bases downstream of the stop codon, G replaced by T.
Molecular consequence: 3 prime UTR variant.
Genome position (GRCh38, 1-based): chr1:100,189,609, C>A on the plus strand (G>T on the coding strand, the complement: DBT is on the minus strand). VCF-style: chr1-100189609-C-A. GRCh37 (hg19) VCF-style: chr1-100655165-C-A.
Identifiers: ClinVar variation 291394 (VCV000291394.7), dbSNP rs72973747, ClinGen allele CA10607107.

ClinVar aggregate classification (germline): Benign. Review status: criteria provided, multiple submitters, no conflicts (2 of 4 stars). 3 submissions from 3 submitters: Benign (3). Last evaluated 2023-04-11.

Conditions:
Maple syrup urine disease (MSUD). Identifiers: Orphanet 511, MedGen C0024776, MeSH D008375, MONDO:0009563. Disease mechanism: loss of function.

Allele frequency attached by ClinVar (database versions not stated): gnomAD exomes 0.02381; gnomAD 0.02820 and 0.03031; TOPMed 0.03203; 1000 Genomes Project 0.03315; 1000 Genomes Project 30x 0.03451.
gnomAD v4.1: 4,243 of 152,034 alleles (2.8%); highest among the groups gnomAD compares: African/African-American, 9.9%; 217 homozygotes.

Submissions (3):

Genome-Nilou Lab
Classification: Benign for Maple syrup urine disease type 1A. Last evaluated: 2023-04-11. Review status: criteria provided, single submitter. Criteria: ACMG Guidelines, 2015. Collection method: clinical testing. Allele origin: germline. Affected: no.

GeneDx
Classification: Benign. Last evaluated: 2021-06-24. Review status: criteria provided, single submitter. Criteria: GeneDx Variant Classification Process June 2021. Collection method: clinical testing. Allele origin: germline. Affected: yes.

Illumina Laboratory Services, Illumina
Classification: Benign for Maple syrup urine disease type 1A. Last evaluated: 2018-01-12. Review status: criteria provided, single submitter. Criteria: ICSL Variant Classification Criteria 13 December 2019. Collection method: clinical testing. Allele origin: germline.
Comment: This variant was observed in the ICSL laboratory as part of a predisposition screen in an ostensibly healthy population. It had not been previously curated by ICSL or reported in the Human Gene Mutation Database (HGMD: prior to June 1st, 2018), and was therefore a candidate for classification through an automated scoring system. Utilizing variant allele frequency, disease prevalence and penetrance estimates, and inheritance mode, an automated score was calculated to assess if this variant is too frequent to cause the disease. Based on the score and internal cut-off values, a variant classified as benign is not then subjected to further curation. The score for this variant resulted in a classification of benign for this disease.